The following is an entry in ClinVar:

ClinVar aggregate classification (germline): Uncertain significance (1 of 4 stars; one submission).

Conditions:
Inborn genetic diseases. Identifiers: MedGen C0950123, MeSH D030342.

Allele frequency attached by ClinVar (database versions not stated): gnomAD exomes below 0.00001.
gnomAD v4.1: 1 of 1,613,788 alleles (0.000062%); highest among the groups gnomAD compares: East Asian, 0.0022%; no homozygotes.

Submission:

Ambry Genetics
Classification: Uncertain significance for Inborn genetic diseases. Last evaluated: 2022-12-27. Review status: criteria provided, single submitter. Criteria: Ambry Variant Classification Scheme 2023. Collection method: clinical testing. Allele origin: germline.
Comment: The p.S697A variant (also known as c.2089T>G), located in coding exon 16 of the BUB1B gene, results from a T to G substitution at nucleotide position 2089. The serine at codon 697 is replaced by alanine, an amino acid with similar properties. This amino acid position is conserved. In addition, this alteration is predicted to be tolerated by in silico analysis. Since supporting evidence is limited at this time, the clinical significance of this alteration remains unclear.

NM_001211.6(BUB1B):c.2089T>G (p.Ser697Ala)

Gene: BUB1B (BUB1 mitotic checkpoint serine/threonine kinase B; plus strand). Cytogenetic location: 15q15.1.
Variant type: single nucleotide variant.
Coding change: c.2089T>G on transcript NM_001211.6 (MANE Select); coding-DNA position 2089, T replaced by G.
Protein change: p.Ser697Ala; replaces serine 697 with alanine.
Molecular consequence: missense variant.
Genome position (GRCh38, 1-based): chr15:40,208,716, T>G. VCF-style: chr15-40208716-T-G. GRCh37 (hg19) VCF-style: chr15-40500917-T-G.
Other names: short protein forms S697A.
Identifiers: ClinVar variation 2497661 (VCV002497661.2), dbSNP rs2037669090, ClinGen allele CA391693677.